The following is an entry in ClinVar:

NM_001375380.1(EBF3):c.524_528del (p.Glu175fs)

Gene: EBF3 (EBF transcription factor 3; minus strand). Cytogenetic location: 10q26.3.
Variant type: Microsatellite.
Coding change: c.524_528del on transcript NM_001375380.1 (MANE Select); coding-DNA positions 524 to 528, 5 bases deleted (AAACG; older notation c.524_528delAAACG).
Protein change: p.Glu175fs; shifts the reading frame from glutamic acid 175.
Molecular consequence: frameshift variant.
Genome position (GRCh38, 1-based): chr10:129,957,284-129,957,288, CGTTT deleted on the plus strand (AAACG on the coding strand, the reverse complement: EBF3 is on the minus strand); deleting any 5 consecutive bases within chr10:129,957,284-129,957,294 gives the same sequence; the c. name uses the placement nearest the transcript's 3' end. VCF-style (leftmost placement, unchanged base first): chr10-129957283-GCGTTT-G. GRCh37 (hg19) VCF-style: chr10-131755547-GCGTTT-G.
Other names: c.524_528del, p.Glu175fs (NM_001005463.3, NM_001375379.1, NM_001375389.1 and 3 more transcripts); short protein forms E175fs.
Identifiers: ClinVar variation 2577648 (VCV002577648.2), dbSNP rs2493627989, ClinGen allele CA2580617499.

ClinVar aggregate classification (germline): Pathogenic (1 of 4 stars; one submission).

Submission:

GeneDx
Classification: Pathogenic. Last evaluated: 2025-03-12. Review status: criteria provided, single submitter. Criteria: GeneDx Variant Classification Process June 2021. Collection method: clinical testing. Allele origin: germline.
Comment: Frameshift variant predicted to result in protein truncation or nonsense mediated decay in a gene for which loss of function is a known mechanism of disease; Not observed at significant frequency in large population cohorts (gnomAD); Has not been previously published as pathogenic or benign to our knowledge